The following is an entry in ClinVar:

NM_153252.5(BRWD3):c.436A>G (p.Ile146Val)

Gene: BRWD3 (bromodomain and WD repeat domain containing 3; minus strand). Cytogenetic location: Xq21.1.
Variant type: single nucleotide variant.
Coding change: c.436A>G on transcript NM_153252.5 (MANE Select); coding-DNA position 436, A replaced by G.
Protein change: p.Ile146Val; replaces isoleucine 146 with valine.
Molecular consequence: missense variant.
Genome position (GRCh38, 1-based): chrX:80,745,724, T>C on the plus strand (A>G on the coding strand, the complement: BRWD3 is on the minus strand). VCF-style: chrX-80745724-T-C. GRCh37 (hg19) VCF-style: chrX-80001223-T-C.
Other names: c.436A>G (NM_153252.4); short protein forms I146V.
Identifiers: ClinVar variation 1643657 (VCV001643657.11), dbSNP rs758672244, ClinGen allele CA10462357.

ClinVar aggregate classification (germline): Likely benign. Review status: criteria provided, multiple submitters, no conflicts (2 of 4 stars). 3 submissions from 3 submitters: Likely benign (2). 1 of the submissions does not count toward it. Last evaluated 2026-01-18.

Conditions:
Inborn genetic diseases. Identifiers: MedGen C0950123, MeSH D030342.
BRWD3-related disorder. Also called: BRWD3-related condition.

Allele frequency attached by ClinVar (database versions not stated): gnomAD exomes 0.00001 and 0.00005; TOPMed 0.00003; ExAC 0.00007.
gnomAD v4.1: 10 of 1,202,833 alleles (0.00083%); highest among the groups gnomAD compares: Admixed American, 0.02%; no homozygotes.

Submissions (3):

Labcorp Genetics (formerly Invitae), Labcorp
Classification: Likely benign. Last evaluated: 2026-01-18. Review status: criteria provided, single submitter. Criteria: Invitae Variant Classification Sherloc (09022015). Collection method: clinical testing. Allele origin: germline.

Ambry Genetics
Classification: Likely benign for Inborn genetic diseases. Last evaluated: 2024-05-14. Review status: criteria provided, single submitter. Criteria: Ambry Variant Classification Scheme 2023. Collection method: clinical testing. Allele origin: germline.

PreventionGenetics, part of Exact Sciences
Classification: Uncertain significance for BRWD3-related condition. Last evaluated: 2024-01-30. Review status: no assertion criteria provided. Collection method: clinical testing. Allele origin: germline. Not counted in ClinVar's aggregate classification.
Comment: The BRWD3 c.436A>G variant is predicted to result in the amino acid substitution p.Ile146Val. To our knowledge, this variant has not been reported in the literature. This variant is reported in 0.034% of alleles in individuals of Latino descent in gnomAD. Although we suspect that this variant may be benign, at this time, the clinical significance of this variant is uncertain due to the absence of conclusive functional and genetic evidence.